The following is an entry in ClinVar:

ClinVar aggregate classification (germline): Pathogenic/Likely pathogenic. Review status: criteria provided, multiple submitters, no conflicts (2 of 4 stars). 3 submissions from 3 submitters: Pathogenic (2); Likely pathogenic (1). Last evaluated 2026-04-14.

Conditions:
RP1-related disorder. Also called: RP1-related condition.

Submissions (3):

PreventionGenetics, part of Exact Sciences
Classification: Likely pathogenic for RP1-related condition. Last evaluated: 2026-04-14. Review status: criteria provided, single submitter. Criteria: ACMG Guidelines, 2015. Collection method: clinical testing. Allele origin: germline.
Comment: The RP1 c.6125delT variant is predicted to result in an in-frame deletion (p.Leu2042fs). To our knowledge, this variant has not been reported in the literature or in a large population database (gnomAD), indicating this variant is rare. This variant is interpreted as likely pathogenic for autosomal recessive disorders; however, the clinical significance of this variant with respect to an autosomal dominant syndrome is uncertain due to the absence of conclusive functional and genetic evidence.

Labcorp Genetics (formerly Invitae), Labcorp
Classification: Pathogenic. Last evaluated: 2024-12-18. Review status: criteria provided, single submitter. Criteria: Invitae Variant Classification Sherloc (09022015). Collection method: clinical testing. Allele origin: germline.
Comment: This sequence change creates a premature translational stop signal (p.Leu2042*) in the RP1 gene. While this is not anticipated to result in nonsense mediated decay, it is expected to disrupt the last 115 amino acid(s) of the RP1 protein. This variant is not present in population databases (gnomAD no frequency). This premature translational stop signal has been observed in individual(s) with autosomal recessive retinitis pigmentosa (internal data). It has also been observed to segregate with disease in related individuals. ClinVar contains an entry for this variant (Variation ID: 849072). This variant disrupts the C-terminus of the RP1 protein. Many variants that disrupt this region have been reported in individuals with either autosomal dominant or autosomal recessive retinitis pigmentosa (PMID: 11527933, 19933189, 29425069, 30027431, 33681214). Therefore, variants that disrupt this region are expected to be disease-causing. For these reasons, this variant has been classified as Pathogenic.

Blueprint Genetics
Classification: Pathogenic for RP1-related disorders. Last evaluated: 2023-07-28. Review status: criteria provided, single submitter. Criteria: ACMG Guidelines, 2015. Collection method: clinical testing. Allele origin: germline. Affected: yes. Observed: 5 variant alleles.

Literature cited by the submitters: PubMed 11527933 (cited by Labcorp Genetics (formerly Invitae), Labcorp); PubMed 19933189 (cited by Labcorp Genetics (formerly Invitae), Labcorp); PubMed 29425069 (cited by Labcorp Genetics (formerly Invitae), Labcorp); PubMed 30027431 (cited by Labcorp Genetics (formerly Invitae), Labcorp); PubMed 33681214 (cited by Labcorp Genetics (formerly Invitae), Labcorp).

NM_006269.2(RP1):c.6125del (p.Leu2041_Leu2042insTer)

Gene: RP1 (RP1 axonemal microtubule associated; plus strand). Cytogenetic location: 8q12.1.
Variant type: Deletion.
Coding change: c.6125del on transcript NM_006269.2 (MANE Select); coding-DNA position 6125, one base deleted (T; older notation c.6125delT).
Protein change: p.Leu2041_Leu2042insTer.
Molecular consequence: nonsense. On other transcripts: intron variant (1).
Genome position (GRCh38, 1-based): chr8:54,630,007, T deleted; the last of 2 consecutive T bases (chr8:54,630,006-54,630,007); deleting either gives the same sequence. VCF-style (leftmost placement, unchanged base first): chr8-54630005-GT-G. GRCh37 (hg19) VCF-style: chr8-55542565-GT-G.
Other names: c.787+7719del (NM_001375654.1); c.6125delT (NM_006269.1).
Identifiers: ClinVar variation 849072 (VCV000849072.11), dbSNP rs1806207146, ClinGen allele CA916082996.
Genomic context (GRCh38, chr8:54,630,005, plus strand): 5'-AAAGAAATTTCAACCAGATTTGAAGGAAAGGTTTTGTATGAATTTCTTGCACACATCATT[GT>G]TAGTTGTGGGTAATGTGGATTCAAATACACAAGACCTCAGCGGTCAGACAAATGAAATCT-3'